The following is an entry in ClinVar:

NM_001453.3(FOXC1):c.1215C>T (p.Ala405=)

Gene: FOXC1 (forkhead box C1; plus strand). Cytogenetic location: 6p25.3.
Variant type: single nucleotide variant.
Coding change: c.1215C>T on transcript NM_001453.3 (MANE Select); coding-DNA position 1215, C replaced by T.
Protein change: p.Ala405=; no amino-acid change (alanine 405 retained).
Molecular consequence: synonymous variant.
Genome position (GRCh38, 1-based): chr6:1,611,660, C>T. VCF-style: chr6-1611660-C-T. GRCh37 (hg19) VCF-style: chr6-1611895-C-T.
Identifiers: ClinVar variation 4771998 (VCV004771998.1).

ClinVar aggregate classification (germline): Uncertain significance (1 of 4 stars; one submission).

Conditions:
Axenfeld-Rieger syndrome type 3 (RIEG3). Also called: AXENFELD-RIEGER ANOMALY WITH CARDIAC DEFECTS AND/OR SENSORINEURAL HEARING LOSS. Identifiers: Orphanet 782, MedGen C2678503, MONDO:0011233, OMIM 602482.

Submission:

Labcorp Genetics (formerly Invitae), Labcorp
Classification: Uncertain significance for Axenfeld-Rieger syndrome type 3. Last evaluated: 2025-06-07. Review status: criteria provided, single submitter. Criteria: Invitae Variant Classification Sherloc (09022015). Collection method: clinical testing. Allele origin: germline.
Comment: This sequence change affects codon 405 of the FOXC1 mRNA. It is a 'silent' change, meaning that it does not change the encoded amino acid sequence of the FOXC1 protein. This variant is not present in population databases (gnomAD no frequency). This variant has not been reported in the literature in individuals affected with FOXC1-related conditions. Experimental studies and prediction algorithms are not available or were not evaluated, and the effect of this variant on mRNA splicing is currently unknown. In summary, the available evidence is currently insufficient to determine the role of this variant in disease. Therefore, it has been classified as a Variant of Uncertain Significance.